The following is an entry in ClinVar:

ClinVar aggregate classification (germline): Uncertain significance. Review status: criteria provided, multiple submitters, no conflicts (2 of 4 stars). 7 submissions from 7 submitters: Uncertain significance (4). 3 of the submissions do not count toward it. Last evaluated 2026-02-13.

Conditions:
Leukocyte adhesion deficiency. Identifiers: Orphanet 2968, MedGen C0272187, MONDO:0017570.
Leukocyte adhesion deficiency 3. Also called: Leukocyte adhesion deficiency, type III; INTEGRIN ACTIVATION DEFICIENCY DISEASE; LEUKOCYTE ADHESION DEFICIENCY 1 VARIANT. Identifiers: Orphanet 2968, Orphanet 99844, MedGen C2748536, MONDO:0013016, OMIM 612840.

Allele frequency attached by ClinVar (database versions not stated): 1000 Genomes Project 0.00020; 1000 Genomes Project 30x 0.00031; ESP Exome Variant Server 0.00038; ExAC 0.00053; gnomAD exomes 0.00060 and 0.00102; gnomAD 0.00062 and 0.00068; TOPMed 0.00062.
gnomAD v4.1: 1,539 of 1,613,992 alleles (0.095%); highest among the groups gnomAD compares: Middle Eastern, 0.16%; 1 homozygote.

Submissions (7):

Women's Health and Genetics/Laboratory Corporation of America, LabCorp
Classification: Uncertain significance. Last evaluated: 2026-02-13. Review status: criteria provided, single submitter. Criteria: LabCorp Variant Classification Summary - May 2015. Collection method: clinical testing. Allele origin: germline.
Comment: Variant summary: FERMT3 c.332G>A (p.Arg111His) results in a non-conservative amino acid change in the encoded protein sequence. Algorithms developed to predict the effect of missense changes on protein structure and function are either unavailable or do not agree on the potential impact of this missense change. The variant allele was found at a frequency of 0.0006 in 250722 control chromosomes, predominantly at a frequency of 0.0011 within the Non-Finnish European subpopulation in the gnomAD database. This frequency is not significantly higher than estimated for disease-causing variants in FERMT3, allowing no conclusion about variant significance. c.332G>A has been observed in individual(s) affected with Leukocyte adhesion deficiency 3. These report(s) do not provide unequivocal conclusions about association of the variant with Leukocyte adhesion deficiency 3. To our knowledge, no experimental evidence demonstrating an impact on protein function has been reported. ClinVar contains an entry for this variant (Variation ID: 578258). Based on the evidence outlined above, the variant was classified as uncertain significance.

Labcorp Genetics (formerly Invitae), Labcorp
Classification: Uncertain significance for Leukocyte adhesion deficiency 3. Last evaluated: 2025-01-29. Review status: criteria provided, single submitter. Criteria: Invitae Variant Classification Sherloc (09022015). Collection method: clinical testing. Allele origin: germline.
Comment: This sequence change replaces arginine, which is basic and polar, with histidine, which is basic and polar, at codon 111 of the FERMT3 protein (p.Arg111His). This variant is present in population databases (rs145419469, gnomAD 0.1%), and has an allele count higher than expected for a pathogenic variant. This variant has not been reported in the literature in individuals affected with FERMT3-related conditions. ClinVar contains an entry for this variant (Variation ID: 578258). Invitae Evidence Modeling of protein sequence and biophysical properties (such as structural, functional, and spatial information, amino acid conservation, physicochemical variation, residue mobility, and thermodynamic stability) has been performed for this missense variant. However, the output from this modeling did not meet the statistical confidence thresholds required to predict the impact of this variant on FERMT3 protein function. In summary, the available evidence is currently insufficient to determine the role of this variant in disease. Therefore, it has been classified as a Variant of Uncertain Significance.

Blueprint Genetics
Classification: Uncertain significance. Last evaluated: 2024-11-05. Review status: criteria provided, single submitter. Criteria: ACMG Guidelines, 2015. Collection method: clinical testing. Allele origin: germline.

Genetics and Molecular Pathology, SA Pathology
Classification: Uncertain significance for Leukocyte adhesion deficiency. Last evaluated: 2021-03-15. Review status: criteria provided, single submitter. Criteria: ACMG Guidelines, 2015. Collection method: clinical testing. Allele origin: germline. Inheritance: Autosomal recessive inheritance. Affected: yes.

Clinical Genetics DNA and cytogenetics Diagnostics Lab, Erasmus MC, Erasmus Medical Center
Classification: Uncertain significance. Review status: no assertion criteria provided. Collection method: clinical testing. Allele origin: germline. Affected: yes. Study: VKGL Data-share Consensus. Not counted in ClinVar's aggregate classification.

Diagnostic Laboratory, Department of Genetics, University Medical Center Groningen
Classification: Uncertain significance. Review status: no assertion criteria provided. Collection method: clinical testing. Allele origin: germline. Affected: yes. Study: VKGL Data-share Consensus. Not counted in ClinVar's aggregate classification.

Genome Diagnostics Laboratory, University Medical Center Utrecht
Classification: Uncertain significance. Review status: no assertion criteria provided. Collection method: clinical testing. Allele origin: germline. Affected: yes. Study: VKGL Data-share Consensus. Not counted in ClinVar's aggregate classification.

NM_031471.6(FERMT3):c.332G>A (p.Arg111His)

Gene: FERMT3 (FERM domain containing kindlin 3; plus strand). Cytogenetic location: 11q13.1.
Variant type: single nucleotide variant.
Coding change: c.332G>A on transcript NM_031471.6 (MANE Select); coding-DNA position 332, G replaced by A.
Protein change: p.Arg111His; replaces arginine 111 with histidine.
Molecular consequence: missense variant. On other transcripts: 5 prime UTR variant (2).
Genome position (GRCh38, 1-based): chr11:64,210,782, G>A. VCF-style: chr11-64210782-G-A. GRCh37 (hg19) VCF-style: chr11-63978254-G-A.
Other names: c.332G>A, p.Arg111His (NM_001382361.1, NM_001382362.1, NM_001382448.1 and 1 more transcripts); c.-209G>A (NM_001382363.1, NM_001382364.1); short protein forms R111H.
Identifiers: ClinVar variation 578258 (VCV000578258.18), dbSNP rs145419469, ClinGen allele CA6068712.